The following is an entry in ClinVar:

NM_000089.4(COL1A2):c.3621A>T (p.Gln1207His)

Gene: COL1A2 (collagen type I alpha 2 chain; plus strand). Cytogenetic location: 7q21.3.
Variant type: single nucleotide variant.
Coding change: c.3621A>T on transcript NM_000089.4 (MANE Select); coding-DNA position 3621, A replaced by T.
Protein change: p.Gln1207His; replaces glutamine 1207 with histidine.
Molecular consequence: missense variant.
Genome position (GRCh38, 1-based): chr7:94,428,387, A>T. VCF-style: chr7-94428387-A-T. GRCh37 (hg19) VCF-style: chr7-94057699-A-T.
Other names: short protein forms Q1207H.
Identifiers: ClinVar variation 2953761 (VCV002953761.3), dbSNP rs2115962565, ClinGen allele CA368226371.

ClinVar aggregate classification (germline): Uncertain significance (1 of 4 stars; one submission).

Conditions:
Osteogenesis imperfecta type I (OI1). Also called: Lobstein disease; OI, TYPE I; OSTEOGENESIS IMPERFECTA TARDA; OSTEOGENESIS IMPERFECTA WITH BLUE SCLERAE; Osteogenesis imperfecta type 1; Lobstein's Disease. Identifiers: Orphanet 216796, Orphanet 666, MedGen C0023931, MONDO:0008146, OMIM 166200. Disease mechanism: loss of function.
Ehlers-Danlos syndrome, classic type, 1 (EDSCL1). Also called: EDS I; EHLERS-DANLOS SYNDROME, GRAVIS TYPE; EHLERS-DANLOS SYNDROME, SEVERE CLASSIC TYPE; Ehlers-Danlos syndrome, type 1; Ehlers-Danlos Syndrome, Classic Type, COL5A1-Related. Identifiers: MedGen C0268335, MONDO:0019567, OMIM 130000.

Submission:

Labcorp Genetics (formerly Invitae), Labcorp
Classification: Uncertain significance for Osteogenesis imperfecta type I; Ehlers-Danlos syndrome, classic type, 1. Last evaluated: 2023-11-10. Review status: criteria provided, single submitter. Criteria: Invitae Variant Classification Sherloc (09022015). Collection method: clinical testing. Allele origin: germline.
Comment: This sequence change replaces glutamine, which is neutral and polar, with histidine, which is basic and polar, at codon 1207 of the COL1A2 protein (p.Gln1207His). This variant is not present in population databases (gnomAD no frequency). This variant has not been reported in the literature in individuals affected with COL1A2-related conditions. Advanced modeling of protein sequence and biophysical properties (such as structural, functional, and spatial information, amino acid conservation, physicochemical variation, residue mobility, and thermodynamic stability) performed at Invitae indicates that this missense variant is not expected to disrupt COL1A2 protein function with a negative predictive value of 95%. In summary, the available evidence is currently insufficient to determine the role of this variant in disease. Therefore, it has been classified as a Variant of Uncertain Significance.